The following is an entry in ClinVar:

NM_000352.6(ABCC8):c.2506C>T (p.Arg836Ter)

Gene: ABCC8 (ATP binding cassette subfamily C member 8; minus strand). Cytogenetic location: 11p15.1.
Variant type: single nucleotide variant.
Coding change: c.2506C>T on transcript NM_000352.6 (MANE Select); coding-DNA position 2506, C replaced by T.
Protein change: p.Arg836Ter; replaces arginine 836 with a stop codon.
Molecular consequence: nonsense. On other transcripts: non-coding transcript variant (1).
Genome position (GRCh38, 1-based): chr11:17,412,716, G>A on the plus strand (C>T on the coding strand, the complement: ABCC8 is on the minus strand). VCF-style: chr11-17412716-G-A. GRCh37 (hg19) VCF-style: chr11-17434263-G-A.
Other names: NM_000352.6(ABCC8):c.2506C>T; p.Arg836Ter; c.2509C>T, p.Arg837Ter (NM_001287174.3); c.2572C>T, p.Arg858Ter (NM_001351295.2); c.2506C>T, p.Arg836Ter (NM_001351296.2); c.2503C>T, p.Arg835Ter (NM_001351297.2); short protein forms R836*, R837*, R835*, R858*.
Identifiers: ClinVar variation 188915 (VCV000188915.53), dbSNP rs72559722, ClinGen allele CA248477.
Genomic context (GRCh38, chr11:17,412,716, plus strand): 5'-TTGCACTCACCAAGAAGACAACGTTGGCGTGCTGGTAGAGGGCTCGGGCCACACTGATTC[G>A]CTGGCGTTGACCACCAGACAGGTTGATGCCCTGTCACCAAAGAGGAGGAACACATCATGC-3'

ClinVar aggregate classification (germline): Pathogenic/Likely pathogenic. Review status: criteria provided, multiple submitters, no conflicts (2 of 4 stars). 18 submissions from 16 submitters: Pathogenic (13); Likely pathogenic (2). 3 of the submissions do not count toward it. Last evaluated 2025-11-05.

Conditions:
Hereditary hyperinsulinism.
Leucine-induced hypoglycemia (LIH). Also called: LEUCINE-SENSITIVE HYPOGLYCEMIA OF INFANCY. Identifiers: MedGen C0271714, MONDO:0009415, OMIM 240800.
Hyperinsulinemic hypoglycemia, familial, 1 (HHF1). Also called: NESIDIOBLASTOSIS OF PANCREAS; Persistent hyperinsulinemic hypoglycemia of infancy; Persistent Hyperinsulinemia Hypoglycemia of Infancy; HYPERINSULINISM, FAMILIAL, WITH PANCREATIC NESIDIOBLASTOSIS; HYPOGLYCEMIA, HYPERINSULINEMIC, OF INFANCY. Identifiers: Orphanet 276575, Orphanet 276598, MedGen C2931832, MONDO:0009734, OMIM 256450.
Diabetes mellitus, transient neonatal, 2 (TNDM2). Identifiers: Orphanet 99886, MedGen C1835887, MONDO:0012480, OMIM 610374. Disease mechanism: loss of function.
Diabetes mellitus, permanent neonatal 3. Also called: ABCC8-Related Permanent Neonatal Diabetes Mellitus. Identifiers: MedGen C5394303, MONDO:0030088, OMIM 618857.
Type 2 diabetes mellitus. Also called: Type II diabetes mellitus. Identifiers: MedGen C0011860, MeSH D003924, MONDO:0005148, OMIM 125853, HP:0005978.
ABCC8-related disorder.
Permanent neonatal diabetes mellitus (PNDM). Identifiers: Orphanet 99885, MedGen C1833104, MONDO:0100164, MONDO:0011643. Disease mechanism: gain of function.
Neonatal diabetes mellitus (NDM). Identifiers: Orphanet 224, MedGen C0158981, MONDO:0016391.

Allele frequency attached by ClinVar (database versions not stated): TOPMed 0.00001; gnomAD 0.00002; gnomAD exomes 0.00006; ExAC 0.00008.
gnomAD v4.1: 33 of 1,611,610 alleles (0.002%); highest among the groups gnomAD compares: Admixed American, 0.022%; no homozygotes.

Submissions 1 to 11 of 18:

Natera, Inc.
Classification: Pathogenic for Hereditary hyperinsulinism. Last evaluated: 2025-11-05. Review status: criteria provided, single submitter. Criteria: Natera Variant Classification Schema (03/2026). Collection method: clinical testing. Allele origin: germline.
Comment: The c.2506C>T variant in ABCC8 is a nonsense variant predicted to introduce a stop codon at amino acid 836. This variant is expected to result in nonsense mediated decay, truncation, or a dysfunctional protein product. This variant is rare in the general population with a frequency below the threshold expected for the associated phenotype(s). This variant has been observed in one or more individuals affected with the associated recessive disease, as either homozygous or compound heterozygous with a second variant (PMID: 25555642). Given the available evidence, this variant is classified as Pathogenic.

Labcorp Genetics (formerly Invitae), Labcorp
Classification: Pathogenic. Last evaluated: 2025-07-04. Review status: criteria provided, single submitter. Criteria: Invitae Variant Classification Sherloc (09022015). Collection method: clinical testing. Allele origin: germline.
Comment: This sequence change creates a premature translational stop signal (p.Arg836*) in the ABCC8 gene. It is expected to result in an absent or disrupted protein product. Loss-of-function variants in ABCC8 are known to be pathogenic (PMID: 20685672, 23345197). This variant is present in population databases (rs72559722, gnomAD 0.04%). This premature translational stop signal has been observed in individuals with congenital hyperinsulinism (PMID: 23067144, 23301914, 23345197, 26379717, 29644095). This variant is also known as c.2509C>T, p.Arg837X. ClinVar contains an entry for this variant (Variation ID: 188915). For these reasons, this variant has been classified as Pathogenic.

3billion
Classification: Pathogenic for Hyperinsulinemic hypoglycemia, familial, 1. Last evaluated: 2025-06-23. Review status: criteria provided, single submitter. Criteria: ACMG Guidelines, 2015. Collection method: clinical testing. Allele origin: germline. Affected: yes.
Comment: The variant is observed at an extremely low frequency in the gnomAD v4.1.0 dataset (total allele frequency: 0.002%). Predicted Consequence/Location: Stop-gained (nonsense): predicted to result in a loss or disruption of normal protein function through nonsense-mediated decay (NMD) or protein truncation. Multiple pathogenic variants are reported downstream of the variant. The variant has been reported at least twice as pathogenic with clinical assertions and evidence for the classification (ClinVar ID: VCV000188915). Therefore, this variant is classified as Pathogenic according to the recommendation of ACMG/AMP guideline.

Blueprint Genetics
Classification: Pathogenic for ABCC8-related disorders. Last evaluated: 2024-09-20. Review status: criteria provided, single submitter. Criteria: ACMG Guidelines, 2015. Collection method: clinical testing. Allele origin: germline. Affected: yes. Observed: 2 variant alleles.

Clinical Genomics, Uppaluri K&H Personalized Medicine Clinic
Classification: Likely pathogenic for Hyperinsulinemic hypoglycemia, familial, 1. Last evaluated: 2024-05-21. Review status: criteria provided, single submitter. Criteria: K & H Uppaluri Personalized Medicine Clinic Variant Classification & Assertion Criteria_Updated V.1. Collection method: research. Allele origin: somatic. Inheritance: Somatic mutation.
Comment: This variant is found to be a potent High impact, deleterious variant with a CADD score of 40 and sufficient recent scientific evidence for both gene and variant correlation with the condition. Hence, this variant is reclassified as Likely pathogenic.

Clinical Genomics, Uppaluri K&H Personalized Medicine Clinic
Classification: Likely pathogenic for Neonatal diabetes mellitus. Last evaluated: 2024-05-21. Review status: criteria provided, single submitter. Criteria: K & H Uppaluri Personalized Medicine Clinic Variant Classification & Assertion Criteria_Updated V.1. Collection method: research. Allele origin: somatic. Inheritance: Somatic mutation.
Comment: This variant is found to be a potent High impact, deleterious variant with a CADD score of 40 and sufficient scientific evidence of gene-disease correlation Hence, this variant is reclassified as Likely pathogenic.

Fulgent Genetics
Classification: Pathogenic for Type 2 diabetes mellitus; Leucine-induced hypoglycemia; Hyperinsulinemic hypoglycemia, familial, 1; Diabetes mellitus, transient neonatal, 2; Diabetes mellitus, permanent neonatal 3. Last evaluated: 2024-04-06. Review status: criteria provided, single submitter. Criteria: ACMG Guidelines, 2015. Collection method: clinical testing. Allele origin: germline.

Baylor Genetics
Classification: Pathogenic for Type 2 diabetes mellitus. Last evaluated: 2024-03-21. Review status: criteria provided, single submitter. Criteria: ACMG Guidelines, 2015. Collection method: clinical testing. Allele origin: unknown.

Broad Center for Mendelian Genomics, Broad Institute of MIT and Harvard
Classification: Pathogenic for Hyperinsulinemic hypoglycemia, familial, 1. Last evaluated: 2023-08-16. Review status: criteria provided, single submitter. Criteria: ACMG Guidelines, 2015. Collection method: curation. Allele origin: germline. Inheritance: Autosomal recessive inheritance.
Comment: The p.Arg836Ter variant in ABCC8 has been reported in at least 11 individuals with congenital hyperinsulinism (PMID: 30386300, 26740944, 17378627, 26379717, 28701683, 23345197, 25765446, 23301914, 21422196), and has been identified in 0.03% (12/35140) of Latino/Admixed American chromosomes by the Genome Aggregation Database (gnomAD; dbSNP rs72559722). Although this variant has been seen in the general population in a heterozygous state, its frequency is not high enough to rule out a pathogenic role. This variant has also been reported in ClinVar (VariationID: 188915) as pathogenic or likely pathogenic by 11 submitters. Of the 11 affected individuals, 1 of those was a homozygote and 5 were compound heterozygotes that carried a reported pathogenic or likely pathogenic variant in trans or with unknown phase, which increases the likelihood that the p.Arg836Ter variant is pathogenic (Variation ID: 188864, 939498; PMID: 26740944, 26379717, 28701683, 23345197, 25765446, 21422196). In vitro functional studies provide some evidence that the p.Arg836Ter variant may slightly impact protein function (PMID: 15579781). However, these types of assays may not accurately represent biological function. This nonsense variant leads to a premature termination codon at position 836, which is predicted to lead to a truncated or absent protein. Loss of function of the ABCC8 gene is an established disease mechanism in autosomal recessive hyperinsulinemic hypoglycemia. In summary, this variant meets criteria to be classified as pathogenic for autosomal recessive hyperinsulinemic hypoglycemia. ACMG/AMP Criteria applied: PVS1, PM3_very-strong, PS3_supporting (Richards 2015).

GeneDx
Classification: Pathogenic. Last evaluated: 2021-11-09. Review status: criteria provided, single submitter. Criteria: GeneDx Variant Classification Process June 2021. Collection method: clinical testing. Allele origin: germline. Affected: yes.
Comment: Nonsense variant predicted to result in protein truncation or nonsense mediated decay in a gene for which loss-of-function is a known mechanism of disease; Also known as c.2509C>T p.(R837*); This variant is associated with the following publications: (PMID: 17378627, 20943781, 23067144, 26379717, 29644095, 24332968, 10923633, 25555642, 25525159, 23301914, 2563966, 23345197, 25765446, 10204114, 15579781, 21422196, 21968108, 25639667, 26740944, 28701683, 31019026)

Elsea Laboratory, Baylor College of Medicine
Classification: Pathogenic for Hyperinsulinemic hypoglycemia, familial, 1; Leucine-induced hypoglycemia; Type 2 diabetes mellitus; Permanent neonatal diabetes mellitus 1; Diabetes mellitus, transient neonatal, 2. Last evaluated: 2020-04-01. Review status: criteria provided, single submitter. Criteria: ACMG Guidelines, 2015. Collection method: clinical testing. Allele origin: germline. Affected: no.